The following is an entry in ClinVar:

NM_001943.5(DSG2):c.3101C>T (p.Ala1034Val)

Genes: DSG2 (desmoglein 2; plus strand), DSG2-AS1 (DSG2 antisense RNA 1; minus strand). Cytogenetic location: 18q12.1.
Variant type: single nucleotide variant.
Coding change: c.3101C>T on transcript NM_001943.5 (MANE Select); coding-DNA position 3101, C replaced by T.
Protein change: p.Ala1034Val; replaces alanine 1034 with valine.
Molecular consequence: missense variant.
Genome position (GRCh38, 1-based): chr18:31,546,487, C>T. VCF-style: chr18-31546487-C-T. GRCh37 (hg19) VCF-style: chr18-29126450-C-T.
Other names: short protein forms A1034V.
Identifiers: ClinVar variation 1020435 (VCV001020435.9), dbSNP rs762885186, ClinGen allele CA047899.

ClinVar aggregate classification (germline): Uncertain significance. Review status: criteria provided, multiple submitters, no conflicts (2 of 4 stars). 2 submissions from 2 submitters: Uncertain significance (2). Last evaluated 2022-02-03.

Conditions:
Cardiomyopathy (CMYO). Also called: Cardiomyopathies. Identifiers: Orphanet 167848, MedGen C0878544, MONDO:0004994, HP:0001638. Inheritance: Various modes of inheritance.
Arrhythmogenic right ventricular dysplasia 10. Also called: Arrhythmogenic Right Ventricular Dysplasia/Cardiomyopathy10; ARRHYTHMOGENIC RIGHT VENTRICULAR DYSPLASIA, FAMILIAL, 10; Arrhythmogenic right ventricular dysplasia/cardiomyopathy, type 10. Identifiers: MedGen C1857777, MONDO:0012434, OMIM 610193.

Allele frequency attached by ClinVar (database versions not stated): ExAC 0.00001; gnomAD exomes 0.00001.
gnomAD v4.1: 7 of 1,614,112 alleles (0.00043%); highest among the groups gnomAD compares: East Asian, 0.0067%; no homozygotes.

Submissions (2):

Labcorp Genetics (formerly Invitae), Labcorp
Classification: Uncertain significance for Arrhythmogenic right ventricular dysplasia 10. Last evaluated: 2022-02-03. Review status: criteria provided, single submitter. Criteria: Invitae Variant Classification Sherloc (09022015). Collection method: clinical testing. Allele origin: germline.
Comment: In summary, the available evidence is currently insufficient to determine the role of this variant in disease. Therefore, it has been classified as a Variant of Uncertain Significance. Algorithms developed to predict the effect of missense changes on protein structure and function output the following: SIFT: "Deleterious"; PolyPhen-2: "Benign"; Align-GVGD: "Class C0". The valine amino acid residue is found in multiple mammalian species, which suggests that this missense change does not adversely affect protein function. ClinVar contains an entry for this variant (Variation ID: 1020435). This variant has not been reported in the literature in individuals affected with DSG2-related conditions. This variant is present in population databases (rs762885186, gnomAD 0.006%). This sequence change replaces alanine, which is neutral and non-polar, with valine, which is neutral and non-polar, at codon 1034 of the DSG2 protein (p.Ala1034Val).

CHEO Genetics Diagnostic Laboratory, Children's Hospital of Eastern Ontario
Classification: Uncertain significance for Cardiomyopathy. Last evaluated: 2020-03-16. Review status: criteria provided, single submitter. Criteria: ACMG Guidelines, 2015. Collection method: clinical testing. Allele origin: germline.